The following is an entry in ClinVar:

ClinVar aggregate classification (germline): Uncertain significance. Review status: criteria provided, multiple submitters, no conflicts (2 of 4 stars). 3 submissions from 3 submitters: Uncertain significance (3). Last evaluated 2025-08-28.

Conditions:
Breast-ovarian cancer, familial, susceptibility to, 5 (BROVCA5). Identifiers: MedGen C5830615, MONDO:0957530, OMIM 620442.
Fanconi anemia complementation group N. Also called: PALB2-Related Fanconi Anemia. Identifiers: Orphanet 84, MedGen C1835817, MONDO:0012565, OMIM 610832. Disease mechanism: loss of function.
Pancreatic cancer, susceptibility to, 3. Identifiers: Orphanet 1333, MedGen C3150547, MONDO:0013236, OMIM 613348.
Hereditary cancer-predisposing syndrome. Also called: Neoplastic Syndromes, Hereditary; Tumor predisposition; Hereditary neoplastic syndrome; Hereditary Cancer Syndrome. Identifiers: Orphanet 140162, MedGen C0027672, MeSH D009386, MONDO:0015356.

Submissions (3):

Color Diagnostics, LLC DBA Color Health
Classification: Uncertain significance for Hereditary cancer-predisposing syndrome. Last evaluated: 2025-08-28. Review status: criteria provided, single submitter. Criteria: ACMG Guidelines, 2015. Collection method: clinical testing. Allele origin: germline.
Comment: This missense variant replaces alanine with aspartic acid at codon 736 of the PALB2 protein. Computational prediction suggests that this variant may not impact protein structure and function. To our knowledge, functional studies have not been reported for this variant. This variant has been detected in a breast cancer case-control meta-analysis in 2/60466 cases and 1/53461 unaffected individuals (PMID: 33471991Leiden Open Variation Database DB-ID PALB2_010923). This variant has not been identified in the general population by the Genome Aggregation Database (gnomAD). The available evidence is insufficient to determine the role of this variant in disease conclusively. Therefore, this variant is classified as a Variant of Uncertain Significance.

Ambry Genetics
Classification: Uncertain significance for Hereditary cancer-predisposing syndrome. Last evaluated: 2025-06-19. Review status: criteria provided, single submitter. Criteria: Ambry Variant Classification Scheme 2023. Collection method: clinical testing. Allele origin: germline.
Comment: The p.A736D variant (also known as c.2207C>A), located in coding exon 5 of the PALB2 gene, results from a C to A substitution at nucleotide position 2207. The alanine at codon 736 is replaced by aspartic acid, an amino acid with dissimilar properties. This amino acid position is conserved. In addition, this alteration is predicted to be tolerated by in silico analysis. Based on the available evidence, the clinical significance of this variant remains unclear.

Department of Pathology and Laboratory Medicine, Sinai Health System
Classification: Uncertain significance for Fanconi anemia complementation group N; Pancreatic cancer, susceptibility to, 3; Breast-ovarian cancer, familial, susceptibility to, 5. Last evaluated: 2024-09-30. Review status: criteria provided, single submitter. Criteria: ACMG Guidelines, 2015. Collection method: clinical testing. Allele origin: germline.

Literature cited by the submitters: PubMed 33471991 (cited by Color Diagnostics, LLC DBA Color Health and Department of Pathology and Laboratory Medicine, Sinai Health System).

NM_024675.4(PALB2):c.2207C>A (p.Ala736Asp)

Gene: PALB2 (partner and localizer of BRCA2; minus strand). Cytogenetic location: 16p12.2.
Variant type: single nucleotide variant.
Coding change: c.2207C>A on transcript NM_024675.4 (MANE Select); coding-DNA position 2207, C replaced by A.
Protein change: p.Ala736Asp; replaces alanine 736 with aspartic acid.
Molecular consequence: missense variant. On other transcripts: intron variant (1).
Genome position (GRCh38, 1-based): chr16:23,629,947, G>T on the plus strand (C>A on the coding strand, the complement: PALB2 is on the minus strand). VCF-style: chr16-23629947-G-T. GRCh37 (hg19) VCF-style: chr16-23641268-G-T.
Other names: c.2207C>A, p.Ala736Asp (NM_001407298.1, NM_001407299.1, NM_001407300.1 and 3 more transcripts); c.1322C>A, p.Ala441Asp (NM_001407304.1, NM_001407305.1, NM_001407306.1 and 5 more transcripts); c.419C>A, p.Ala140Asp (NM_001407312.1, NM_001407313.1); c.49-672C>A (NM_001407314.1); c.2147C>A, p.Ala716Asp (NM_001407296.1); short protein forms A716D, A441D, A736D, A140D.
Identifiers: ClinVar variation 3891899 (VCV003891899.3).
Genomic context (GRCh38, chr16:23,629,947, plus strand): 5'-CAGCAAGTTCGTCCAGCAACTTCTGTAGATGCTTTTTCATAGGAGCCTTGAGGGCCAAAG[G>T]CTGGAGTAGTACCTAAGATGGGGAAAGCAGGTGAACACATGTCTGTGGTAGGCCTGTCAT-3'
Protein context (NP_078951.2, residues 726-746): PAFPILGTTP[Ala736Asp]FGPQGSYEKA